The following is an entry in ClinVar:

NM_000321.3(RB1):c.2369A>C (p.Tyr790Ser)

Gene: RB1 (RB transcriptional corepressor 1; plus strand). Cytogenetic location: 13q14.2.
Variant type: single nucleotide variant.
Coding change: c.2369A>C on transcript NM_000321.3 (MANE Select); coding-DNA position 2369, A replaced by C.
Protein change: p.Tyr790Ser; replaces tyrosine 790 with serine.
Molecular consequence: missense variant.
Genome position (GRCh38, 1-based): chr13:48,465,248, A>C. VCF-style: chr13-48465248-A-C. GRCh37 (hg19) VCF-style: chr13-49039384-A-C.
Other names: c.2369A>C, p.Tyr790Ser (NM_001407165.1); short protein forms Y790S.
Identifiers: ClinVar variation 4809305 (VCV004809305.1).

ClinVar aggregate classification (germline): Uncertain significance (1 of 4 stars; one submission).

Conditions:
Retinoblastoma (RB1). Also called: RETINOBLASTOMA, SOMATIC. Identifiers: Orphanet 790, MedGen C0035335, MeSH D012175, MONDO:0008380, OMIM 180200, HP:0009919. Disease mechanism: loss of function. Inheritance: Both sporadic and heritable forms are tested..

Submission:

Labcorp Genetics (formerly Invitae), Labcorp
Classification: Uncertain significance for Retinoblastoma. Last evaluated: 2025-07-02. Review status: criteria provided, single submitter. Criteria: Invitae Variant Classification Sherloc (09022015). Collection method: clinical testing. Allele origin: germline.
Comment: This sequence change replaces tyrosine, which is neutral and polar, with serine, which is neutral and polar, at codon 790 of the RB1 protein (p.Tyr790Ser). This variant is not present in population databases (gnomAD no frequency). This variant has not been reported in the literature in individuals affected with RB1-related conditions. Invitae Evidence Modeling of protein sequence and biophysical properties (such as structural, functional, and spatial information, amino acid conservation, physicochemical variation, residue mobility, and thermodynamic stability) has been performed for this missense variant. However, the output from this modeling did not meet the statistical confidence thresholds required to predict the impact of this variant on RB1 protein function. In summary, the available evidence is currently insufficient to determine the role of this variant in disease. Therefore, it has been classified as a Variant of Uncertain Significance.